The following is an entry in ClinVar:

ClinVar aggregate classification (germline): Benign (1 of 4 stars; one submission).

Conditions:
Diabetes insipidus, nephrogenic, autosomal (NDI2). Also called: Nephrogenic Diabetes Insipidus, Type II; Diabetes insipidus, nephrogenic, 2, autosomal. Identifiers: Orphanet 223, MedGen C1563706, MONDO:0007451, OMIM 125800.

Allele frequency attached by ClinVar (database versions not stated): ExAC 0.00063; gnomAD exomes 0.00068 and 0.00170; 1000 Genomes Project 0.00519; 1000 Genomes Project 30x 0.00547; gnomAD 0.00591 and 0.00640; TOPMed 0.00676.
gnomAD v4.1: 1,250 of 648,712 alleles (0.19%); highest among the groups gnomAD compares: African/African-American, 2.1%; 12 homozygotes.

Submission:

Illumina Laboratory Services, Illumina
Classification: Benign for Diabetes insipidus, nephrogenic, autosomal. Last evaluated: 2018-01-13. Review status: criteria provided, single submitter. Criteria: ICSL Variant Classification Criteria 13 December 2019. Collection method: clinical testing. Allele origin: germline.
Comment: This variant was observed in the ICSL laboratory as part of a predisposition screen in an ostensibly healthy population. It had not been previously curated by ICSL or reported in the Human Gene Mutation Database (HGMD: prior to June 1st, 2018), and was therefore a candidate for classification through an automated scoring system. Utilizing variant allele frequency, disease prevalence and penetrance estimates, and inheritance mode, an automated score was calculated to assess if this variant is too frequent to cause the disease. Based on the score and internal cut-off values, a variant classified as benign is not then subjected to further curation. The score for this variant resulted in a classification of benign for this disease.

NM_000486.6(AQP2):c.*252G>A

Genes: AQP2 (aquaporin 2; plus strand), AQP5-AS1 (AQP5 and AQP2 antisense RNA 2; minus strand). Cytogenetic location: 12q13.12.
Variant type: single nucleotide variant.
Coding change: c.*252G>A on transcript NM_000486.6 (MANE Select); 252 bases downstream of the stop codon, G replaced by A.
Molecular consequence: 3 prime UTR variant.
Genome position (GRCh38, 1-based): chr12:49,955,860, G>A. VCF-style: chr12-49955860-G-A. GRCh37 (hg19) VCF-style: chr12-50349643-G-A.
Identifiers: ClinVar variation 309240 (VCV000309240.5), dbSNP rs114099597, ClinGen allele CA6559378.
Genomic context (GRCh38, chr12:49,955,860, plus strand): 5'-GGCAGGTCCCCTGCCCTGAGGCTGTGAGCAGCTAGTGGTGGCTTCTCCAGCCTTTTTCAG[G>A]GAACTGGGAACTTAGGGGACTGAGCTGGGGAGGGAGGCAGGTGGGTGGTAAGAGGGAAAC-3'